The following is an entry in ClinVar:

ClinVar aggregate classification (germline): Likely pathogenic (1 of 4 stars; one submission).

Conditions:
Autism, susceptibility to, 17. Also called: Autism susceptibility 17. Identifiers: MedGen C3150693, MONDO:0013265, OMIM 613436.

Submission:

3billion
Classification: Likely pathogenic for Autism, susceptibility to, 17. Last evaluated: 2025-11-25. Review status: criteria provided, single submitter. Criteria: ACMG Guidelines, 2015. Collection method: clinical testing. Allele origin: germline. Affected: yes.
Comment: The variant is not observed in the gnomAD v4.1.0 dataset. Predicted Consequence/Location: Stop-gained (nonsense): predicted to result in a loss or disruption of normal protein function through nonsense-mediated decay (NMD) or protein truncation. Multiple pathogenic variants are reported downstream of the variant. Therefore, this variant is classified as Likely pathogenic according to the recommendation of ACMG/AMP guideline.

NM_012309.5(SHANK2):c.3112G>T (p.Glu1038Ter)

Gene: SHANK2 (SH3 and multiple ankyrin repeat domains 2; minus strand). Cytogenetic location: 11q13.3.
Variant type: single nucleotide variant.
Coding change: c.3112G>T on transcript NM_012309.5 (MANE Select); coding-DNA position 3112, G replaced by T.
Protein change: p.Glu1038Ter; replaces glutamic acid 1038 with a stop codon.
Molecular consequence: nonsense.
Genome position (GRCh38, 1-based): chr11:70,487,181, C>A on the plus strand (G>T on the coding strand, the complement: SHANK2 is on the minus strand). VCF-style: chr11-70487181-C-A. GRCh37 (hg19) VCF-style: chr11-70333286-C-A.
Other names: c.1975G>T, p.Glu659Ter (NM_001379226.1); c.3232G>T, p.Glu1078Ter (NM_001441024.1); c.3061G>T, p.Glu1021Ter (NM_001441025.1, NM_001441026.1, NM_001441027.1 and 8 more transcripts); c.3034G>T, p.Glu1012Ter (NM_001441035.1, NM_001441036.1, NM_001441037.1); c.2989G>T, p.Glu997Ter (NM_001441038.1); c.1945G>T, p.Glu649Ter (NM_001441040.1); c.1897G>T, p.Glu633Ter (NM_001441041.1); c.1339G>T, p.Glu447Ter (NM_001441042.1); and 6 more; short protein forms E1012*, E1021*, E1038*, E1078*, E406*, E424*, E433*, E440*.
Identifiers: ClinVar variation 4853994 (VCV004853994.1).